The following is an entry in ClinVar:

ClinVar aggregate classification (germline): Likely pathogenic. Review status: criteria provided, multiple submitters, no conflicts (2 of 4 stars). 2 submissions from 2 submitters: Likely pathogenic (2). Last evaluated 2026-03-01.

Conditions:
Spermatogenic failure 18. Identifiers: MedGen C4539783, MONDO:0054615, OMIM 617576.
Ciliary dyskinesia, primary, 37 (CILD37). Also called: CILIARY DYSKINESIA, PRIMARY, 37, WITH OR WITHOUT SITUS INVERSUS. Identifiers: MedGen C4539798, MONDO:0033204, OMIM 617577.
DNAH1-related disorder. Also called: DNAH1-related condition.

Allele frequency attached by ClinVar (database versions not stated): ESP Exome Variant Server 0.00016.
gnomAD v4.1: 12 of 1,611,930 alleles (0.00074%); highest among the groups gnomAD compares: South Asian, 0.0055%; no homozygotes.

Submissions (2):

PreventionGenetics, part of Exact Sciences
Classification: Likely pathogenic for DNAH1-related condition. Last evaluated: 2026-03-01. Review status: criteria provided, single submitter. Criteria: ACMG Guidelines, 2015. Collection method: clinical testing. Allele origin: germline.
Comment: The DNAH1 c.7198+1G>A variant is predicted to disrupt the GT donor site and interfere with normal splicing. To our knowledge, this variant has not been reported in the literature. This variant is reported in 0.0083% of alleles in individuals of African descent in gnomAD. Variants that disrupt the consensus splice donor site in DNAH1 are expected to be pathogenic. This variant is interpreted as likely pathogenic.

Labcorp Genetics (formerly Invitae), Labcorp
Classification: Likely pathogenic for Ciliary dyskinesia, primary, 37; Spermatogenic failure 18. Last evaluated: 2025-12-19. Review status: criteria provided, single submitter. Criteria: Invitae Variant Classification Sherloc (09022015). Collection method: clinical testing. Allele origin: germline.
Comment: This sequence change affects a donor splice site in intron 46 of the DNAH1 gene. It is expected to disrupt RNA splicing. Variants that disrupt the donor or acceptor splice site typically lead to a loss of protein function (PMID: 16199547), and loss-of-function variants in DNAH1 are known to be pathogenic (PMID: 27573432, 27798045). The frequency data for this variant in the population databases is considered unreliable, as metrics indicate poor data quality at this position in the gnomAD database. This variant has not been reported in the literature in individuals affected with DNAH1-related conditions. ClinVar contains an entry for this variant (Variation ID: 2027844). Algorithms developed to predict the effect of sequence changes on RNA splicing suggest that this variant may disrupt the consensus splice site. In summary, the currently available evidence indicates that the variant is pathogenic, but additional data are needed to prove that conclusively. Therefore, this variant has been classified as Likely Pathogenic.

Literature cited by the submitters: PubMed 16199547 (cited by Labcorp Genetics (formerly Invitae), Labcorp); PubMed 27573432 (cited by Labcorp Genetics (formerly Invitae), Labcorp); PubMed 27798045 (cited by Labcorp Genetics (formerly Invitae), Labcorp).

NM_015512.5(DNAH1):c.7198+1G>A

Gene: DNAH1 (dynein axonemal heavy chain 1; plus strand). Cytogenetic location: 3p21.1.
Variant type: single nucleotide variant.
Coding change: c.7198+1G>A on transcript NM_015512.5 (MANE Select); the canonical splice donor site of the intron after coding-DNA position 7198, G replaced by A.
Molecular consequence: splice donor variant.
Genome position (GRCh38, 1-based): chr3:52,375,994, G>A. VCF-style: chr3-52375994-G-A. GRCh37 (hg19) VCF-style: chr3-52410010-G-A.
Other names: c.7198+1G>A (NM_015512.4).
Identifiers: ClinVar variation 2027844 (VCV002027844.5), dbSNP rs367692811, ClinGen allele CA74765049.